The following is an entry in ClinVar:

ClinVar aggregate classification (germline): Uncertain significance (1 of 4 stars; one submission).

Submission:

Women's Health and Genetics/Laboratory Corporation of America, LabCorp
Classification: Uncertain significance. Last evaluated: 2024-01-23. Review status: criteria provided, single submitter. Criteria: LabCorp Variant Classification Summary - May 2015. Collection method: clinical testing. Allele origin: germline.
Comment: Variant summary: PDGFRB c.2029A>G (p.Ile677Val) results in a conservative amino acid change located in the Protein kinase domain (IPR000719) of the encoded protein sequence. Five of five in-silico tools predict a benign effect of the variant on protein function. The variant was absent in 152250 control chromosomes. The available data on variant occurrences in the general population are insufficient to allow any conclusion about variant significance. To our knowledge, no occurrence of c.2029A>G in individuals affected with PDGFRB-Related Disorders and no experimental evidence demonstrating its impact on protein function have been reported. No submitters have cited clinical-significance assessments for this variant to ClinVar. Based on the evidence outlined above, the variant was classified as uncertain significance.

NM_002609.4(PDGFRB):c.2029A>G (p.Ile677Val)

Gene: PDGFRB (platelet derived growth factor receptor beta; minus strand). Cytogenetic location: 5q32.
Variant type: single nucleotide variant.
Coding change: c.2029A>G on transcript NM_002609.4 (MANE Select); coding-DNA position 2029, A replaced by G.
Protein change: p.Ile677Val; replaces isoleucine 677 with valine.
Molecular consequence: missense variant.
Genome position (GRCh38, 1-based): chr5:150,123,196, T>C on the plus strand (A>G on the coding strand, the complement: PDGFRB is on the minus strand). VCF-style: chr5-150123196-T-C. GRCh37 (hg19) VCF-style: chr5-149502759-T-C.
Other names: c.1837A>G, p.Ile613Val (NM_001355016.2); c.1546A>G, p.Ile516Val (NM_001355017.2); short protein forms I516V, I613V, I677V.
Identifiers: ClinVar variation 3063652 (VCV003063652.1), dbSNP rs2481195154, ClinGen allele CA361763113.